The following is an entry in ClinVar:

NM_000278.5(PAX2):c.153del (p.Cys52fs)

Gene: PAX2 (paired box 2; plus strand). Cytogenetic location: 10q24.31.
Variant type: Deletion.
Coding change: c.153del on transcript NM_000278.5 (MANE Select); coding-DNA position 153, one base deleted (C; older notation c.153delC).
Protein change: p.Cys52fs; shifts the reading frame from cysteine 52.
Molecular consequence: frameshift variant.
Genome position (GRCh38, 1-based): chr10:100,749,855, C deleted; the last of 3 consecutive C bases (chr10:100,749,853-100,749,855); deleting any one gives the same sequence. VCF-style (leftmost placement, unchanged base first): chr10-100749852-GC-G. GRCh37 (hg19) VCF-style: chr10-102509609-GC-G.
Other names: c.246del, p.Cys83fs (NM_001304569.2); c.153del, p.Cys52fs (NM_003987.5, NM_003988.5, NM_003989.5 and 1 more transcripts); short protein forms C52fs, C83fs.
Identifiers: ClinVar variation 4855586 (VCV004855586.1).

ClinVar aggregate classification (germline): Likely pathogenic (1 of 4 stars; one submission).

Conditions:
Renal coloboma syndrome (PAPRS). Also called: PAPILLORENAL SYNDROME WITH MILD OCULAR ABNORMALITIES; CONGENITAL ANOMALIES OF THE KIDNEY AND URINARY TRACT WITH OR WITHOUT OCULAR ABNORMALITIES; CAKUT WITH OR WITHOUT OCULAR ABNORMALITIES; COLOBOMA OF OPTIC NERVE WITH RENAL DISEASE; OPTIC COLOBOMA, VESICOURETERAL REFLUX, AND RENAL ANOMALIES; OPTIC NERVE COLOBOMA WITH RENAL DISEASE. Identifiers: Orphanet 1475, MedGen C1852759, MONDO:0007352, OMIM 120330.

Submission:

3billion
Classification: Likely pathogenic for Renal coloboma syndrome. Last evaluated: 2025-09-25. Review status: criteria provided, single submitter. Criteria: ACMG Guidelines, 2015. Collection method: clinical testing. Allele origin: germline. Affected: yes.
Comment: The variant is not observed in the gnomAD v4.1.0 dataset. Predicted Consequence/Location: Frameshift: predicted to result in a loss or disruption of normal protein function through nonsense-mediated decay (NMD) or protein truncation. Multiple pathogenic variants are reported downstream of the variant. Therefore, this variant is classified as Likely pathogenic according to the recommendation of ACMG/AMP guideline.